The following is an entry in ClinVar:

ClinVar aggregate classification (germline): Uncertain significance (1 of 4 stars; one submission).

Conditions:
MTM1-related disorder. Also called: MTM1-related condition.

Allele frequency attached by ClinVar (database versions not stated): gnomAD 0.00001.
gnomAD v4.1: 1 of 1,210,120 alleles (0.000083%); highest among the groups gnomAD compares: Admixed American, 0.0022%; no homozygotes.

Submission:

PreventionGenetics, part of Exact Sciences
Classification: Uncertain significance for MTM1-related condition. Last evaluated: 2023-08-02. Review status: criteria provided, single submitter. Criteria: ACMG Guidelines, 2015. Collection method: clinical testing. Allele origin: germline.
Comment: The MTM1 c.1094C>T variant is predicted to result in the amino acid substitution p.Ser365Phe. To our knowledge, this variant has not been reported in the literature or in a large population database, indicating this variant is rare. At this time, the clinical significance of this variant is uncertain due to the absence of conclusive functional and genetic evidence.

NM_000252.3(MTM1):c.1094C>T (p.Ser365Phe)

Gene: MTM1 (myotubularin 1; plus strand). Cytogenetic location: Xq28.
Variant type: single nucleotide variant.
Coding change: c.1094C>T on transcript NM_000252.3 (MANE Select); coding-DNA position 1094, C replaced by T.
Protein change: p.Ser365Phe; replaces serine 365 with phenylalanine.
Molecular consequence: missense variant.
Genome position (GRCh38, 1-based): chrX:150,657,861, C>T. VCF-style: chrX-150657861-C-T. GRCh37 (hg19) VCF-style: chrX-149826334-C-T.
Other names: c.1094C>T, p.Ser365Phe (NM_001376906.1, NM_001376908.1); c.983C>T, p.Ser328Phe (NM_001376907.1); short protein forms S328F, S365F.
Identifiers: ClinVar variation 2631415 (VCV002631415.1), dbSNP rs2040149346, ClinGen allele CA415258241.